The following is an entry in ClinVar:

NM_001958.5(EEF1A2):c.796C>T (p.Arg266Trp)

Gene: EEF1A2 (eukaryotic translation elongation factor 1 alpha 2; minus strand). Cytogenetic location: 20q13.33.
Variant type: single nucleotide variant.
Coding change: c.796C>T on transcript NM_001958.5 (MANE Select); coding-DNA position 796, C replaced by T.
Protein change: p.Arg266Trp; replaces arginine 266 with tryptophan.
Molecular consequence: missense variant.
Genome position (GRCh38, 1-based): chr20:63,490,712, G>A on the plus strand (C>T on the coding strand, the complement: EEF1A2 is on the minus strand). VCF-style: chr20-63490712-G-A. GRCh37 (hg19) VCF-style: chr20-62122065-G-A.
Other names: short protein forms R266W.
Identifiers: ClinVar variation 449242 (VCV000449242.54), dbSNP rs1555883505, ClinGen allele CA409648045.
Genomic context (GRCh38, chr20:63,490,712, plus strand): 5'-TGATGTTCACTGGCGCAAAGGTCACCACCATGCCCGGCCGCAGGATGCCGGTCTCCACCC[G>A]GCCCACGGGCACCGTGCCAATGCCTGCAGAGGGGAGGGGGTGTGAGGGGAAGGTGGGGCC-3'
Protein context (NP_001949.1, residues 256-276): IGGIGTVPVG[Arg266Trp]VETGILRPGM

ClinVar aggregate classification (germline): Pathogenic/Likely pathogenic. Review status: criteria provided, multiple submitters, no conflicts (2 of 4 stars). 10 submissions from 10 submitters: Pathogenic (8); Likely pathogenic (1). 1 of the submissions does not count toward it. Last evaluated 2022-08-16.

Conditions:
Inborn genetic diseases. Identifiers: MedGen C0950123, MeSH D030342.
EEF1A2-related disorder. Also called: EEF1A2-related disorders; EEF1A2-related condition.
EEF1A2-related developmental and degenerative epileptic-dyskinetic encephalopathy.
Intellectual developmental disorder, autosomal dominant 38. Also called: PSYCHOMOTOR RETARDATION, EPILEPSY, AND LANGUAGE DISABILITY SYNDROME; Intellectual disability, autosomal dominant 38. Identifiers: MedGen C4225343, MONDO:0014617, OMIM 616393.
Developmental and epileptic encephalopathy, 33 (DEE33). Also called: Epileptic encephalopathy, early infantile, 33. Identifiers: Orphanet 442835, MedGen C4225337, MONDO:0014625, OMIM 616409.

Submissions (10):

GeneDx
Classification: Pathogenic. Last evaluated: 2022-08-16. Review status: criteria provided, single submitter. Criteria: GeneDx Variant Classification Process June 2021. Collection method: clinical testing. Allele origin: germline. Affected: yes.
Comment: Not observed at significant frequency in large population cohorts (gnomAD); Published functional studies demonstrate a damaging effect on protein synthesis and cellular stress response resulting in cell toxicity (Carvill et al., 2020); In silico analysis supports that this missense variant has a deleterious effect on protein structure/function; This variant is associated with the following publications: (PMID: 30370994, 26795593, 19909265, 32196822, 32429945, 32062104, 31785789)

CeGaT Center for Human Genetics Tuebingen
Classification: Pathogenic. Last evaluated: 2021-11-01. Review status: criteria provided, single submitter. Criteria: CeGaT Center For Human Genetics Tuebingen Variant Classification Criteria Version 2. Collection method: clinical testing. Allele origin: germline. Affected: yes. Observed: 1 variant allele.

Women's Health and Genetics/Laboratory Corporation of America, LabCorp
Classification: Pathogenic for EEF1A2-Related Disorders. Last evaluated: 2021-01-26. Review status: criteria provided, single submitter. Criteria: LabCorp Variant Classification Summary - May 2015. Collection method: clinical testing. Allele origin: germline.
Comment: Variant summary: EEF1A2 c.796C>T (p.Arg266Trp) results in a non-conservative amino acid change located in the domain 2 (IPR004161) of the encoded protein sequence. Five of five in-silico tools predict a damaging effect of the variant on protein function. The variant was absent in 241660 control chromosomes (gnomAD). c.796C>T has been reported in the literature in individuals affected with EEF1A2-Related Disorders, with varying phenotypes including developmental delay, intellectual disability, seizures and movement disorders. The first report of the variant was in a patient with infantile onset of focal epilepsy and temporal lobe epilepsy (Helbig_2016). A second report, which may have patient overlap with the patient described in Helbig_2016, reports the variant in three patients with developmental delay and intellectual disability, two of them also had seizures (Carvill_2020). Additional reports of the variant are in a patient with developmental delay, frontal lobe intractable epilepsy, neurogenic bladder, and choreoathetoid cerebral palsy (Fernandez_2017, ASHG poster abstract) and in a patient with dysphagia, muscular hypertonia, mental retardation and brain dysplasia (Wang_2020). All cases have been reported as de novo mutations. To our knowledge, no experimental evidence demonstrating an impact on protein function has been reported. Six submitters have provided clinical-significance assessments for this variant in ClinVar after 2014, and classified the variant as pathogenic (4x) / likely pathogenic (1x) or VUS (1x). Based on the evidence outlined above, the variant was classified as pathogenic.

Revvity Omics, Revvity
Classification: Pathogenic. Last evaluated: 2021-01-20. Review status: criteria provided, single submitter. Criteria: ACMG Guidelines, 2015. Collection method: clinical testing. Allele origin: germline.

Epilepsy Neurogenetics Initiative, Children's Hospital of Philadelphia
Classification: Pathogenic for EEF1A2-related developmental and degenerative epileptic-dyskinetic encephalopathy. Last evaluated: 2020-02-13. Review status: criteria provided, single submitter. Criteria: ACMG Guidelines, 2015. Collection method: research. Allele origin: de novo. Inheritance: Autosomal dominant inheritance. Affected: yes. Clinical features observed: Absent speech (HP:0001344), Inability to walk (HP:0002540), Intellectual disability (HP:0001249), Hemiclonic seizures (HP:0006813), Focal clonic seizures (HP:0002266), Generalized tonic seizures (HP:0010818), Absence seizures (HP:0002121), Ankle clonus (HP:0011448), Hyperreflexia (HP:0001347), Muscular hypotonia (HP:0001252), Chorea (HP:0002072).
Comment: The EEF1A2 c.796C>T; p.Arg266Trp variant has been identified in three individuals with a developmental and epileptic encephalopathy characterized by global developmental delays, moderate to profound intellectual disability, and infantile or early childhood onset epilepsy in two individuals. Two individuals had a hyperkinetic movement disorder characterized by choreoathetosis. The variant is confirmed de novo in all three individuals. The variant is absent from population databases (ExAC, gnomAD) and is predicted to have a damaging effect on the protein by in silico models. Therefore, this variant has been classified as pathogenic.

Fulgent Genetics
Classification: Likely pathogenic for Intellectual developmental disorder, autosomal dominant 38; Developmental and epileptic encephalopathy, 33. Last evaluated: 2018-10-31. Review status: criteria provided, single submitter. Criteria: ACMG Guidelines, 2015. Collection method: clinical testing. Allele origin: unknown.

Baylor Genetics
Classification: Pathogenic for Intellectual developmental disorder, autosomal dominant 38. Last evaluated: 2018-02-27. Review status: criteria provided, single submitter. Criteria: ACMG Guidelines, 2015. Collection method: clinical testing. Allele origin: de novo. Affected: yes.
Comment: This variant was determined to be pathogenic according to ACMG Guidelines, 2015 [PMID:25741868].

Undiagnosed Diseases Network, NIH
Classification: Pathogenic for Developmental and epileptic encephalopathy, 33. Last evaluated: 2017-04-19. Review status: criteria provided, single submitter. Criteria: ACMG Guidelines, 2015. Collection method: clinical testing. Allele origin: de novo. Inheritance: Autosomal dominant inheritance. Affected: yes. Observed: 1 variant allele, 1 mosaic individual. Study: Undiagnosed Diseases Network (NIH), UDN.

Ambry Genetics
Classification: Pathogenic for Inborn genetic diseases. Last evaluated: 2015-06-01. Review status: criteria provided, single submitter. Criteria: Ambry exome assertion method (8-5-2015). Collection method: clinical testing. Allele origin: germline. Affected: yes. Observed: 1 variant allele.

Labcorp Genetics (formerly Invitae), Labcorp
Classification: Uncertain significance for Epileptic encephalopathy, early infantile, 33. Last evaluated: 2020-01-13. Review status: flagged submission. Criteria: Invitae Variant Classification Sherloc (09022015). Collection method: clinical testing. Allele origin: germline. Not counted in ClinVar's aggregate classification.
Comment: This sequence change replaces arginine with tryptophan at codon 266 of the EEF1A2 protein (p.Arg266Trp). The arginine residue is highly conserved and there is a moderate physicochemical difference between arginine and tryptophan. This variant is not present in population databases (ExAC no frequency). This variant has been observed in individual(s) with EEF1A2-related disease (PMID: 26795593). ClinVar contains an entry for this variant (Variation ID: 449242). Algorithms developed to predict the effect of missense changes on protein structure and function (SIFT, PolyPhen-2, Align-GVGD) all suggest that this variant is likely to be disruptive, but these predictions have not been confirmed by published functional studies and their clinical significance is uncertain. In summary, the available evidence is currently insufficient to determine the role of this variant in disease. Therefore, it has been classified as a Variant of Uncertain Significance.
ClinVar note: Reason: Outlier claim with insufficient supporting evidence

Literature cited by the submitters: PubMed 26795593 (cited by 3 submitters); PubMed 32196822 (cited by Women's Health and Genetics/Laboratory Corporation of America, LabCorp); PubMed 32429945 (cited by Women's Health and Genetics/Laboratory Corporation of America, LabCorp).